The following is an entry in ClinVar:

ClinVar aggregate classification (germline): Uncertain significance. Review status: criteria provided, multiple submitters, no conflicts (2 of 4 stars). 3 submissions from 3 submitters: Uncertain significance (3). Last evaluated 2025-10-06.

Conditions:
Inborn genetic diseases. Identifiers: MedGen C0950123, MeSH D030342.

Submissions (3):

Labcorp Genetics (formerly Invitae), Labcorp
Classification: Uncertain significance. Last evaluated: 2025-10-06. Review status: criteria provided, single submitter. Criteria: Invitae Variant Classification Sherloc (09022015). Collection method: clinical testing. Allele origin: germline.
Comment: This sequence change replaces alanine, which is neutral and non-polar, with threonine, which is neutral and polar, at codon 2275 of the PRPF8 protein (p.Ala2275Thr). This variant is not present in population databases (gnomAD no frequency). This variant has not been reported in the literature in individuals affected with PRPF8-related conditions. ClinVar contains an entry for this variant (Variation ID: 3425801). Invitae Evidence Modeling of protein sequence and biophysical properties (such as structural, functional, and spatial information, amino acid conservation, physicochemical variation, residue mobility, and thermodynamic stability) indicates that this missense variant is not expected to disrupt PRPF8 protein function with a negative predictive value of 80%. In summary, the available evidence is currently insufficient to determine the role of this variant in disease. Therefore, it has been classified as a Variant of Uncertain Significance.

GeneDx
Classification: Uncertain significance. Last evaluated: 2024-11-15. Review status: criteria provided, single submitter. Criteria: GeneDx Variant Classification Process June 2021. Collection method: clinical testing. Allele origin: germline. Affected: yes.
Comment: Not observed at significant frequency in large population cohorts (gnomAD); In silico analysis indicates that this missense variant does not alter protein structure/function; Has not been previously published as pathogenic or benign to our knowledge

Ambry Genetics
Classification: Uncertain significance for Inborn genetic diseases. Last evaluated: 2024-08-15. Review status: criteria provided, single submitter. Criteria: Ambry Variant Classification Scheme 2023. Collection method: clinical testing. Allele origin: germline.

NM_006445.4(PRPF8):c.6823G>A (p.Ala2275Thr)

Gene: PRPF8 (pre-mRNA processing factor 8; minus strand). Cytogenetic location: 17p13.3.
Variant type: single nucleotide variant.
Coding change: c.6823G>A on transcript NM_006445.4 (MANE Select); coding-DNA position 6823, G replaced by A.
Protein change: p.Ala2275Thr; replaces alanine 2275 with threonine.
Molecular consequence: missense variant.
Genome position (GRCh38, 1-based): chr17:1,651,138, C>T on the plus strand (G>A on the coding strand, the complement: PRPF8 is on the minus strand). VCF-style: chr17-1651138-C-T. GRCh37 (hg19) VCF-style: chr17-1554432-C-T.
Other names: short protein forms A2275T.
Identifiers: ClinVar variation 3425801 (VCV003425801.3).